The following is an entry in ClinVar:

ClinVar aggregate classification (germline): Uncertain significance (1 of 4 stars; one submission).

Conditions:
Severe combined immunodeficiency due to DNA-PKcs deficiency. Also called: IMMUNODEFICIENCY 26 WITH NEUROLOGIC ABNORMALITIES; Immunodeficiency 26 with or without neurologic abnormalities. Identifiers: Orphanet 317425, MedGen C4014833, MONDO:0014423, OMIM 615966.

Submission:

Labcorp Genetics (formerly Invitae), Labcorp
Classification: Uncertain significance for Severe combined immunodeficiency due to DNA-PKcs deficiency. Last evaluated: 2022-06-20. Review status: criteria provided, single submitter. Criteria: Invitae Variant Classification Sherloc (09022015). Collection method: clinical testing. Allele origin: germline.
Comment: In summary, the available evidence is currently insufficient to determine the role of this variant in disease. Therefore, it has been classified as a Variant of Uncertain Significance. Experimental studies and prediction algorithms are not available or were not evaluated, and the functional significance of this variant is currently unknown. This variant has not been reported in the literature in individuals affected with PRKDC-related conditions. This variant is not present in population databases (gnomAD no frequency). This sequence change replaces alanine, which is neutral and non-polar, with threonine, which is neutral and polar, at codon 1922 of the PRKDC protein (p.Ala1922Thr).

NM_006904.7(PRKDC):c.5764G>A (p.Ala1922Thr)

Gene: PRKDC (protein kinase, DNA-activated, catalytic subunit; minus strand). Cytogenetic location: 8q11.21.
Variant type: single nucleotide variant.
Coding change: c.5764G>A on transcript NM_006904.7 (MANE Select); coding-DNA position 5764, G replaced by A.
Protein change: p.Ala1922Thr; replaces alanine 1922 with threonine.
Molecular consequence: missense variant.
Genome position (GRCh38, 1-based): chr8:47,862,528, C>T on the plus strand (G>A on the coding strand, the complement: PRKDC is on the minus strand). VCF-style: chr8-47862528-C-T. GRCh37 (hg19) VCF-style: chr8-48775089-C-T.
Other names: c.5764G>A, p.Ala1922Thr (NM_001081640.2); short protein forms A1922T.
Identifiers: ClinVar variation 1370957 (VCV001370957.6), dbSNP rs2154500711, ClinGen allele CA371162633.